The following is an entry in ClinVar:

ClinVar aggregate classification (germline): Uncertain significance (1 of 4 stars; one submission).

Submission:

Labcorp Genetics (formerly Invitae), Labcorp
Classification: Uncertain significance. Last evaluated: 2022-02-11. Review status: criteria provided, single submitter. Criteria: Invitae Variant Classification Sherloc (09022015). Collection method: clinical testing. Allele origin: germline.
Comment: This sequence change replaces valine, which is neutral and non-polar, with leucine, which is neutral and non-polar, at codon 502 of the RCBTB1 protein (p.Val502Leu). In summary, the available evidence is currently insufficient to determine the role of this variant in disease. Therefore, it has been classified as a Variant of Uncertain Significance. Algorithms developed to predict the effect of missense changes on protein structure and function are either unavailable or do not agree on the potential impact of this missense change (SIFT: "Deleterious"; PolyPhen-2: "Possibly Damaging"; Align-GVGD: "Class C0"). This variant has not been reported in the literature in individuals affected with RCBTB1-related conditions. This variant is not present in population databases (gnomAD no frequency).

NM_018191.4(RCBTB1):c.1504G>C (p.Val502Leu)

Gene: RCBTB1 (RCC1 and BTB domain containing protein 1; minus strand). Cytogenetic location: 13q14.2.
Variant type: single nucleotide variant.
Coding change: c.1504G>C on transcript NM_018191.4 (MANE Select); coding-DNA position 1504, G replaced by C.
Protein change: p.Val502Leu; replaces valine 502 with leucine.
Molecular consequence: missense variant. On other transcripts: non-coding transcript variant (2).
Genome position (GRCh38, 1-based): chr13:49,534,214, C>G on the plus strand (G>C on the coding strand, the complement: RCBTB1 is on the minus strand). VCF-style: chr13-49534214-C-G. GRCh37 (hg19) VCF-style: chr13-50108350-C-G.
Other names: c.1504G>C, p.Val502Leu (NM_001352500.2, NM_001352501.2, NM_001352502.2 and 1 more transcripts); c.925G>C, p.Val309Leu (NM_001352506.2); short protein forms V309L, V502L.
Identifiers: ClinVar variation 2096366 (VCV002096366.4), dbSNP rs2547407665, ClinGen allele CA388185219.
Genomic context (GRCh38, chr13:49,534,214, plus strand): 5'-TAGCAATGAATTCCTTTAGCAGAGGGCCATCCATTTGCCAAAATGCTGCAGTCTGTGTAA[C>G]TTCTGTCAAATGATTGATGCAAAACTTAAAGCAGAATTCTTCTAAATCCTGGACACACAA-3'
Protein context (NP_060661.3, residues 492-512): FKFCINHLTE[Val502Leu]TQTAAFWQMD